The following is an entry in ClinVar:

NM_006904.7(PRKDC):c.2100G>T (p.Lys700Asn)

Gene: PRKDC (protein kinase, DNA-activated, catalytic subunit; minus strand). Cytogenetic location: 8q11.21.
Variant type: single nucleotide variant.
Coding change: c.2100G>T on transcript NM_006904.7 (MANE Select); coding-DNA position 2100, G replaced by T.
Protein change: p.Lys700Asn; replaces lysine 700 with asparagine.
Molecular consequence: missense variant.
Genome position (GRCh38, 1-based): chr8:47,929,131, C>A on the plus strand (G>T on the coding strand, the complement: PRKDC is on the minus strand). VCF-style: chr8-47929131-C-A. GRCh37 (hg19) VCF-style: chr8-48841691-C-A.
Other names: c.2100G>T, p.Lys700Asn (NM_001081640.2); short protein forms K700N.
Identifiers: ClinVar variation 1037937 (VCV001037937.6), dbSNP rs2090206955, ClinGen allele CA371163832.

ClinVar aggregate classification (germline): Uncertain significance (1 of 4 stars; one submission).

Conditions:
Severe combined immunodeficiency due to DNA-PKcs deficiency. Also called: IMMUNODEFICIENCY 26 WITH NEUROLOGIC ABNORMALITIES; Immunodeficiency 26 with or without neurologic abnormalities. Identifiers: Orphanet 317425, MedGen C4014833, MONDO:0014423, OMIM 615966.

Submission:

Labcorp Genetics (formerly Invitae), Labcorp
Classification: Uncertain significance for Severe combined immunodeficiency due to DNA-PKcs deficiency. Last evaluated: 2022-08-09. Review status: criteria provided, single submitter. Criteria: Invitae Variant Classification Sherloc (09022015). Collection method: clinical testing. Allele origin: germline.
Comment: In summary, the available evidence is currently insufficient to determine the role of this variant in disease. Therefore, it has been classified as a Variant of Uncertain Significance. This variant is not present in population databases (gnomAD no frequency). This variant has not been reported in the literature in individuals affected with PRKDC-related conditions. This sequence change replaces lysine, which is basic and polar, with asparagine, which is neutral and polar, at codon 700 of the PRKDC protein (p.Lys700Asn). ClinVar contains an entry for this variant (Variation ID: 1037937). Experimental studies and prediction algorithms are not available or were not evaluated, and the functional significance of this variant is currently unknown.